The following is an entry in ClinVar:

NM_001388492.1(HTT):c.5467C>T (p.Arg1823Cys)

Gene: HTT (huntingtin; plus strand). Cytogenetic location: 4p16.3.
Variant type: single nucleotide variant.
Coding change: c.5467C>T on transcript NM_001388492.1 (MANE Select); coding-DNA position 5467, C replaced by T.
Protein change: p.Arg1823Cys; replaces arginine 1823 with cysteine.
Molecular consequence: missense variant.
Genome position (GRCh38, 1-based): chr4:3,199,830, C>T. VCF-style: chr4-3199830-C-T. GRCh37 (hg19) VCF-style: chr4-3201557-C-T.
Other names: c.5473C>T, p.Arg1825Cys (NM_002111.8); short protein forms R1823C, R1825C.
Identifiers: ClinVar variation 1403231 (VCV001403231.6), dbSNP rs779984163, ClinGen allele CA2824737.
Genomic context (GRCh38, chr4:3,199,830, plus strand): 5'-TTCCGCAGTGATGGCTGTGGCGGCAGTTTCTACACCCTGGACAGCTTGAACTTGCGGGCT[C>T]GTTCCATGATCACCACCCACCCGGCCCTGGTGCTGCTCTGGTGTCAGATACTGCTGCTTG-3'
Protein context (NP_001375421.1, residues 1813-1833): YTLDSLNLRA[Arg1823Cys]SMITTHPALV

ClinVar aggregate classification (germline): Uncertain significance (1 of 4 stars; one submission).

Allele frequency attached by ClinVar (database versions not stated): ExAC 0.00003.
gnomAD v4.1: 19 of 1,614,064 alleles (0.0012%); highest among the groups gnomAD compares: East Asian, 0.027%; no homozygotes.

Submission:

Labcorp Genetics (formerly Invitae), Labcorp
Classification: Uncertain significance. Last evaluated: 2021-02-03. Review status: criteria provided, single submitter. Criteria: Invitae Variant Classification Sherloc (09022015). Collection method: clinical testing. Allele origin: germline.
Comment: Experimental studies and prediction algorithms are not available or were not evaluated, and the functional significance of this variant is currently unknown. This variant has not been reported in the literature in individuals with HTT-related conditions. This variant is present in population databases (rs779984163, ExAC 0.03%). This sequence change replaces arginine with cysteine at codon 1825 of the HTT protein (p.Arg1825Cys). The arginine residue is weakly conserved and there is a large physicochemical difference between arginine and cysteine. In summary, the available evidence is currently insufficient to determine the role of this variant in disease. Therefore, it has been classified as a Variant of Uncertain Significance.